The following is an entry in ClinVar:

ClinVar aggregate classification (germline): Likely pathogenic. Review status: criteria provided, single submitter (1 of 4 stars). 2 submissions from 1 submitter: Likely pathogenic (1). 1 of the submissions does not count toward it. Last evaluated 2020-05-13.

Conditions:
Craniosynostosis syndrome. Also called: Craniosynostosis. Identifiers: Orphanet 1531, MedGen C0010278, MeSH D003398, MONDO:0015469, HP:0001363.
Polydactyly. Also called: polydactylism. Identifiers: MedGen C0152427, MONDO:0021003, OMIM 603596, HP:0010442.
MEGF8-related Carpenter syndrome. Also called: Carpenter syndrome 2. Identifiers: Orphanet 65759, MedGen C3554247, MONDO:0013998, OMIM 614976.

Submissions (2):

Seattle Children's Hospital Molecular Genetics Laboratory, Seattle Children's Hospital
Classification: Likely pathogenic for Polydactyly; Craniosynostosis syndrome. Last evaluated: 2020-05-13. Review status: criteria provided, single submitter. Criteria: ACMG Guidelines, 2015. Collection method: clinical testing. Allele origin: unknown. Inheritance: Autosomal recessive inheritance. Affected: yes. Observed: 1 variant allele, 1 compound heterozygote.
Comment: This variant is an in-frame deletion of 3 base pairs c.7769_7771delCCT, resulting in deletion of the serine residue at position p.2590. This amino acid position is within a conserved, helical transmembrane domain (Uniprot Q7Z7M0). The deletion of a single amino acid within this 21 amino acid stretch could disrupt protein localization, though no functional data is available. This variant has been observed once in large population dataset (1 of 228,368 alleles, GnomAD v2.1).

Seattle Children's Hospital Molecular Genetics Laboratory, Seattle Children's Hospital
Classification: Likely pathogenic for MEGF8-related Carpenter syndrome. Review status: no assertion criteria provided. Collection method: clinical testing. Allele origin: germline. Affected: yes. Not counted in ClinVar's aggregate classification.

Literature cited by the submitters: PubMed 23063620; PubMed 28914635; PubMed 29168297.

NM_001271938.2(MEGF8):c.7970_7972del (p.Ser2657del)

Gene: MEGF8 (multiple EGF like domains 8; plus strand). Cytogenetic location: 19q13.2.
Variant type: Deletion.
Coding change: c.7970_7972del on transcript NM_001271938.2 (MANE Select); coding-DNA positions 7970 to 7972, 3 bases deleted (CCT; older notation c.7970_7972delCCT).
Protein change: p.Ser2657del; deletes serine 2657.
Molecular consequence: inframe deletion.
Genome position (GRCh38, 1-based): chr19:42,376,207-42,376,209, CCT deleted; deleting any 3 consecutive bases within chr19:42,376,205-42,376,209 gives the same sequence; the c. name uses the placement nearest the transcript's 3' end. VCF-style (leftmost placement, unchanged base first): chr19-42376204-TCTC-T. GRCh37 (hg19) VCF-style: chr19-42880356-TCTC-T.
Other names: c.7769_7771del, p.Ser2590del (NM_001410.3); short protein forms S2590del, S2657del.
Identifiers: ClinVar variation 1164007 (VCV001164007.6), dbSNP rs775004286, ClinGen allele CA9476296.